The following is an entry in ClinVar:

ClinVar aggregate classification (germline): Benign/Likely benign. Review status: criteria provided, multiple submitters, no conflicts (2 of 4 stars). 2 submissions from 2 submitters: Benign (1); Likely benign (1). Last evaluated 2026-04-29.

Conditions:
Colorectal cancer, hereditary nonpolyposis, type 7. Identifiers: Orphanet 144, MedGen C1858380, MONDO:0013725, OMIM 614385.

Submissions (2):

Myriad Genetics, Inc.
Classification: Benign for Colorectal cancer, hereditary nonpolyposis, type 7. Last evaluated: 2026-04-29. Review status: criteria provided, single submitter. Criteria: Myriad Autosomal Dominant, Autosomal Recessive and X-Linked Classification Criteria (2023). Collection method: clinical testing. Allele origin: unknown.
Comment: This variant is considered benign. This variant is a silent/synonymous amino acid change and it is not expected to impact splicing.

Ambry Genetics
Classification: Likely benign. Last evaluated: 2023-11-24. Review status: criteria provided, single submitter. Criteria: Ambry Variant Classification Scheme 2023. Collection method: clinical testing. Allele origin: germline.

NM_001040108.2(MLH3):c.813A>G (p.Leu271=)

Gene: MLH3 (mutL homolog 3; minus strand). Cytogenetic location: 14q24.3.
Variant type: single nucleotide variant.
Coding change: c.813A>G on transcript NM_001040108.2 (MANE Select); coding-DNA position 813, A replaced by G.
Protein change: p.Leu271=; no amino-acid change (leucine 271 retained).
Molecular consequence: synonymous variant.
Genome position (GRCh38, 1-based): chr14:75,048,843, T>C on the plus strand (A>G on the coding strand, the complement: MLH3 is on the minus strand). VCF-style: chr14-75048843-T-C. GRCh37 (hg19) VCF-style: chr14-75515546-T-C.
Other names: c.813A>G, p.Leu271= (NM_014381.3).
Identifiers: ClinVar variation 3232598 (VCV003232598.2), dbSNP rs2503315816, ClinGen allele CA487274279.